The following is an entry in ClinVar:

NM_130384.3(ATRIP):c.772_783del (p.Ser258_His261del)

Genes: ATRIP (ATR interacting protein; plus strand), ATRIP-TREX1 (ATRIP-TREX1 readthrough; plus strand). Cytogenetic location: 3p21.31.
Variant type: Deletion.
Coding change: c.772_783del on transcript NM_130384.3 (MANE Select); coding-DNA positions 772 to 783, 12 bases deleted (TCCCTTCCCCAC).
Protein change: p.Ser258_His261del.
Molecular consequence: inframe deletion. On other transcripts: non-coding transcript variant (1).
Genome position (GRCh38, 1-based): chr3:48,457,359-48,457,370, TCCCTTCCCCAC deleted. VCF-style (leftmost placement, unchanged base first): chr3-48457358-GTCCCTTCCCCAC-G. GRCh37 (hg19) VCF-style: chr3-48498758-GTCCCTTCCCCAC-G.
Other names: c.391_402del, p.Ser131_His134del (NM_001271022.2); c.493_504del, p.Ser165_His168del (NM_001271023.2); c.772_783del, p.Ser258_His261del (NM_032166.4).
Identifiers: ClinVar variation 4644495 (VCV004644495.1).

ClinVar aggregate classification (germline): Uncertain significance (1 of 4 stars; one submission).

Submission:

Ambry Genetics
Classification: Uncertain significance. Last evaluated: 2025-10-22. Review status: criteria provided, single submitter. Criteria: Ambry Variant Classification Scheme 2023. Collection method: clinical testing. Allele origin: germline.
Comment: The c.772_783del12 variant (also known as p.S258_H261del) is located in coding exon 5 of the ATRIP gene. This variant results from an in-frame TCCCTTCCCCAC deletion at nucleotide positions 772 to 783. This results in the in-frame deletion of four amino acids at codon 258. This amino acid region is well conserved in available vertebrate species. The evidence for this gene-disease relationship is limited; therefore, the clinical significance of this alteration is unclear.